The following is an entry in ClinVar:

NM_007294.4(BRCA1):c.5037A>G (p.Leu1679=)

Gene: BRCA1 (BRCA1 DNA repair associated; minus strand). Cytogenetic location: 17q21.31.
Variant type: single nucleotide variant.
Coding change: c.5037A>G on transcript NM_007294.4 (MANE Select); coding-DNA position 5037, A replaced by G.
Protein change: p.Leu1679=; no amino-acid change (leucine 1679 retained).
Molecular consequence: synonymous variant. On other transcripts: intron variant (1).
Genome position (GRCh38, 1-based): chr17:43,067,645, T>C on the plus strand (A>G on the coding strand, the complement: BRCA1 is on the minus strand). VCF-style: chr17-43067645-T-C. GRCh37 (hg19) VCF-style: chr17-41219662-T-C.
Other names: c.1515A>G, p.Leu505= (NM_001408491.1, NM_001408481.1, NM_001408482.1 and 5 more transcripts); c.1512A>G, p.Leu504= (NM_001408492.1, NM_001408493.1); c.1488A>G, p.Leu496= (NM_001408494.1); c.1482A>G, p.Leu494= (NM_001408495.1); c.1464A>G, p.Leu488= (NM_001408496.1, NM_001408497.1, NM_001408498.1 and 3 more transcripts); c.1461A>G, p.Leu487= (NM_001408502.1, NM_001408503.1, NM_001408504.1); c.1458A>G, p.Leu486= (NM_001408505.1); c.1401A>G, p.Leu467= (NM_001408506.1); and 71 more.
Identifiers: ClinVar variation 427353 (VCV000427353.8), dbSNP rs754256578, ClinGen allele CA053733.
Genomic context (GRCh38, chr17:43,067,645, plus strand): 5'-TTCTGTAAAGGTTCTTGGTATACCTGTTTTCATAACAACATGAGTAGTCTCTTCAGTAAT[T>C]AGATTAGTTAAAGTGATGTGGTGTTTTCTGGCAAACTTGTACACGAGCATCTGAAATTAA-3'
Protein context (NP_009225.1, residues 1669-1689): ARKHHITLTN[Leu1679=]ITEETTHVVM

ClinVar aggregate classification (germline): Likely benign. Review status: reviewed by expert panel (3 of 4 stars). 2 submissions from 2 submitters: Likely benign (1). 1 of the submissions does not count toward it. Last evaluated 2017-06-29.

Conditions:
Hereditary cancer-predisposing syndrome. Also called: Neoplastic Syndromes, Hereditary; Hereditary neoplastic syndrome; Tumor predisposition; Hereditary Cancer Syndrome. Identifiers: Orphanet 140162, MedGen C0027672, MeSH D009386, MONDO:0015356.
Breast-ovarian cancer, familial, susceptibility to, 1 (BROVCA1). Also called: BRCA1 Hereditary Breast and Ovarian Cancer; OVARIAN CANCER, SUSCEPTIBILITY TO. Identifiers: Orphanet 145, MedGen C2676676, MONDO:0011450, OMIM 604370. Disease mechanism: loss of function.

Allele frequency attached by ClinVar (database versions not stated): gnomAD exomes 0.00001 and 0.00002; ExAC 0.00002.
gnomAD v4.1: 6 of 1,613,390 alleles (0.00037%); highest among the groups gnomAD compares: Non-Finnish European, 0.00034%; no homozygotes.

Submissions (3):

Evidence-based Network for the Interpretation of Germline Mutant Alleles (ENIGMA)
Classification: Likely benign for Breast-ovarian cancer, familial, susceptibility to, 1. Last evaluated: 2017-06-29. Review status: reviewed by expert panel. Criteria: ENIGMA BRCA1/2 Classification Criteria (2017-06-29). Collection method: curation. Allele origin: germline.
Comment: Synonymous substitution variant, with low bioinformatic likelihood to result in a splicing aberration (Splicing prior probability 0.02).

Ambry Genetics
Classification: Likely benign for Hereditary cancer-predisposing syndrome. Last evaluated: 2021-10-03. Review status: criteria provided, single submitter. Criteria: Ambry Variant Classification Scheme 2023. Collection method: clinical testing. Allele origin: germline. Not counted in ClinVar's aggregate classification.

Brotman Baty Institute, University of Washington
No classification provided (evidence only). Condition: Breast-ovarian cancer, familial 1. Review status: no classification provided. Collection method: in vitro. Allele origin: not applicable. Functional consequence: functionally_normal. Not counted in ClinVar's aggregate classification.
ClinVar note: "not provided" was previously submitted as the classification for the variant. However, the classification appeared to be based only on an observation of functional data so it was converted to no classification on 2025-07-30.